The following is an entry in ClinVar:

NM_022455.5(NSD1):c.4049C>T (p.Pro1350Leu)

Gene: NSD1 (nuclear receptor binding SET domain protein 1; plus strand). Cytogenetic location: 5q35.3.
Variant type: single nucleotide variant.
Coding change: c.4049C>T on transcript NM_022455.5 (MANE Select); coding-DNA position 4049, C replaced by T.
Protein change: p.Pro1350Leu; replaces proline 1350 with leucine.
Molecular consequence: missense variant.
Genome position (GRCh38, 1-based): chr5:177,238,364, C>T. VCF-style: chr5-177238364-C-T. GRCh37 (hg19) VCF-style: chr5-176665365-C-T.
Other names: c.3176C>T, p.Pro1059Leu (NM_001365684.2, NM_001409306.1, NM_001409307.1 and 3 more transcripts); c.4049C>T, p.Pro1350Leu (NM_001409301.1, NM_001409302.1, NM_001409303.1); c.3629C>T, p.Pro1210Leu (NM_001409304.1); c.3296C>T, p.Pro1099Leu (NM_001409305.1); short protein forms P1081L, P1350L, P1059L, P1099L, P1210L.
Identifiers: ClinVar variation 1737336 (VCV001737336.2), dbSNP rs2149887449, ClinGen allele CA362340526.

ClinVar aggregate classification (germline): Uncertain significance (1 of 4 stars; one submission).

Conditions:
Inborn genetic diseases. Identifiers: MedGen C0950123, MeSH D030342.

Allele frequency attached by ClinVar (database versions not stated): gnomAD exomes below 0.00001.
gnomAD v4.1: 1 of 1,613,930 alleles (0.000062%); highest among the groups gnomAD compares: Non-Finnish European, 0.000085%; no homozygotes.

Submission:

Ambry Genetics
Classification: Uncertain significance for Inborn genetic diseases. Last evaluated: 2018-04-25. Review status: criteria provided, single submitter. Criteria: Ambry Variant Classification Scheme 2023. Collection method: clinical testing. Allele origin: germline.
Comment: The p.P1350L variant (also known as c.4049C>T), located in coding exon 6 of the NSD1 gene, results from a C to T substitution at nucleotide position 4049. The proline at codon 1350 is replaced by leucine, an amino acid with similar properties. This amino acid position is highly conserved in available vertebrate species. In addition, the in silico prediction for this alteration is inconclusive. Since supporting evidence is limited at this time, the clinical significance of this alteration remains unclear.